The following is an entry in ClinVar:

ClinVar aggregate classification (germline): Uncertain significance (1 of 4 stars; one submission).

Conditions:
Cardiovascular phenotype. Identifiers: MedGen CN230736.

Allele frequency attached by ClinVar (database versions not stated): TOPMed below 0.00001; gnomAD 0.00001; gnomAD exomes 0.00003.
gnomAD v4.1: 40 of 1,613,374 alleles (0.0025%); highest among the groups gnomAD compares: Non-Finnish European, 0.0034%; no homozygotes.

Submission:

Ambry Genetics
Classification: Uncertain significance for Cardiovascular phenotype. Last evaluated: 2019-03-22. Review status: criteria provided, single submitter. Criteria: Ambry Variant Classification Scheme 2023. Collection method: clinical testing. Allele origin: germline.
Comment: The p.I10990V variant (also known as c.32968A>G), located in coding exon 130 of the TTN gene, results from an A to G substitution at nucleotide position 32968. The isoleucine at codon 10990 is replaced by valine, an amino acid with highly similar properties. This amino acid position is not well conserved in available vertebrate species. In addition, this alteration is predicted to be tolerated by in silico analysis. Since supporting evidence is limited at this time, the clinical significance of this alteration remains unclear.

NM_001267550.2(TTN):c.60163A>G (p.Ile20055Val)

Genes: TTN-AS1 (TTN antisense RNA 1; plus strand), TTN (titin; minus strand), LOC126806424 (CDK7 strongly-dependent group 2 enhancer GRCh37_chr2:179456337-179457536; plus strand). Cytogenetic location: 2q31.2.
Variant type: single nucleotide variant.
Coding change: c.60163A>G on transcript NM_001267550.2 (MANE Select); coding-DNA position 60163, A replaced by G.
Protein change: p.Ile20055Val; replaces isoleucine 20055 with valine.
Molecular consequence: missense variant.
Genome position (GRCh38, 1-based): chr2:178,591,656, T>C on the plus strand (A>G on the coding strand, the complement: TTN is on the minus strand). VCF-style: chr2-178591656-T-C. GRCh37 (hg19) VCF-style: chr2-179456383-T-C.
Other names: c.55240A>G, p.Ile18414Val (NM_001256850.1); c.32968A>G, p.Ile10990Val (NM_003319.4); c.52459A>G, p.Ile17487Val (NM_133378.4); c.33343A>G, p.Ile11115Val (NM_133432.3); c.33544A>G, p.Ile11182Val (NM_133437.4); short protein forms I11115V, I11182V, I10990V, I17487V, I18414V, I20055V.
Identifiers: ClinVar variation 1729883 (VCV001729883.2), dbSNP rs1445750788, ClinGen allele CA349486764.
Genomic context (GRCh38, chr2:178,591,656, plus strand): 5'-TACCTAGTTTTTCTTGACATTCTATCGGGATAGTTGTGTCAGGGAGACCAAGACCCACAA[T>C]GTTTTCAGCTTTTACACGGAATCTATAGGTCTTTCCTTGTTGTAGTCCAGTAACCACACA-3'
Protein context (NP_001254479.2, residues 20045-20065): TYRFRVKAEN[Ile20055Val]VGLGLPDTTI